The following is an entry in ClinVar:

NM_016343.4(CENPF):c.574-2A>C

Gene: CENPF (centromere protein F; plus strand). Cytogenetic location: 1q41.
Variant type: single nucleotide variant.
Coding change: c.574-2A>C on transcript NM_016343.4 (MANE Select); the canonical splice acceptor site of the intron before coding-DNA position 574, A replaced by C.
Molecular consequence: splice acceptor variant.
Genome position (GRCh38, 1-based): chr1:214,620,653, A>C. VCF-style: chr1-214620653-A-C. GRCh37 (hg19) VCF-style: chr1-214793996-A-C.
Other names: IVS5AS, A-C, -2.
Identifiers: ClinVar variation 190386 (VCV000190386.4), dbSNP rs376767238, ClinGen allele CA358490.
Genomic context (GRCh38, chr1:214,620,653, plus strand): 5'-AAATAAATAGCCTTGAGTATATAAGATCTTTAAAGGCCTCTAAAGAGATTCTGTTTCTAC[A>C]GAAAGCAAGCCAGACTCTTCCACAAGCCACCATGAATCACCGCGACATTGCCCGGCATCA-3'

ClinVar aggregate classification (germline): Pathogenic. Review status: criteria provided, single submitter (1 of 4 stars). 3 submissions from 3 submitters: Pathogenic (1). 2 of the submissions do not count toward it. Last evaluated 2024-11-14.

Conditions:
Stromme syndrome (STROMS). Also called: Ciliary dyskinesia, primary, 31; Strømme Syndrome; APPLE PEEL SYNDROME WITH MICROCEPHALY AND OCULAR ANOMALIES. Identifiers: Orphanet 444069, Orphanet 506307, MedGen C1855705, MONDO:0009477, OMIM 243605.
CENPF-related disorder. Also called: CENPF-related condition.

Allele frequency attached by ClinVar (database versions not stated): TOPMed 0.00001; gnomAD exomes 0.00002; gnomAD 0.00001; ExAC 0.00002; ESP Exome Variant Server 0.00008.
gnomAD v4.1: 30 of 1,605,250 alleles (0.0019%); highest among the groups gnomAD compares: Non-Finnish European, 0.0025%; no homozygotes.

Submissions (3):

Victorian Clinical Genetics Services, Murdoch Childrens Research Institute
Classification: Pathogenic for Stromme syndrome. Last evaluated: 2024-11-14. Review status: criteria provided, single submitter. Criteria: ACMG Guidelines, 2015. Collection method: clinical testing. Allele origin: germline. Affected: yes.
Comment: This variant is classified as Pathogenic. Evidence in support of pathogenic classification: Canonical splice site variant without proven consequence on splicing (no functional evidence available); Variant is present in gnomAD <0.01 for a recessive condition (v4: 30 heterozygote(s), 0 homozygote(s)); This variant has limited previous evidence of pathogenicity in unrelated individual(s). This variant has been classified as pathogenic by a clinical laboratory in ClinVar and has been reported in the literature in one family with four compound heterozygous fetuses with mid-gestation lethality, dysmorphic craniofacial features and ciliopathy features (PMID: 25564561). - This variant has moderate evidence for segregation with disease. This variant has been shown to segregate with disease in a family with four affected fetuses, all of whom are compound heterozygous with a second CENPF variant (PMID: 25564561). - Abnormal splicing is predicted by in silico tool and affected nucleotide is highly conserved. Additional information: This variant is heterozygous; This gene is associated with autosomal recessive disease; No published functional evidence has been identified for this variant; No comparable splice site variants have previous evidence for pathogenicity; Loss of function is a known mechanism of disease in this gene and is associated with Stromme syndrome (MIM#243605); Variants in this gene are known to have variable expressivity. Wide phenotypic variability has been described, ranging from mid-gestation lethality to non-syndromic microcephaly (OMIM, PMID: 35001526); Inheritance information for this variant is not currently available in this individual.

PreventionGenetics, part of Exact Sciences
Classification: Pathogenic for CENPF-related condition. Last evaluated: 2024-09-17. Review status: no assertion criteria provided. Collection method: clinical testing. Allele origin: germline. Not counted in ClinVar's aggregate classification.
Comment: The CENPF c.574-2A>C variant is predicted to disrupt the AG splice acceptor site and interfere with normal splicing. This variant has been reported in the compound heterozygous state in four siblings with a ciliopathy-like presentation (Figure S3, Waters et al. 2015. PubMed ID: 25564561). This variant has not been reported in a large population database, indicating this variant is rare. Variants that disrupt the consensus splice acceptor site in CENPF are expected to be pathogenic. This variant is interpreted as pathogenic.

OMIM
Classification: Pathogenic for STROMME SYNDROME. Last evaluated: 2015-03-01. Review status: no assertion criteria provided. Collection method: literature only. Allele origin: germline. Not counted in ClinVar's aggregate classification.

Literature cited by the submitters: PubMed 25564561 (cited by Victorian Clinical Genetics Services, Murdoch Childrens Research Institute and OMIM); PubMed 35001526 (cited by Victorian Clinical Genetics Services, Murdoch Childrens Research Institute).